The following is an entry in ClinVar:

ClinVar aggregate classification (germline): Uncertain significance (1 of 4 stars; one submission).

Conditions:
Immunodeficiency-centromeric instability-facial anomalies syndrome 2 (ICF2). Identifiers: Orphanet 2268, MedGen C3279748, MONDO:0013553, OMIM 614069.

gnomAD v4.1: 1 of 1,614,188 alleles (0.000062%); highest among the groups gnomAD compares: East Asian, 0.0022%; no homozygotes.

Submission:

Labcorp Genetics (formerly Invitae), Labcorp
Classification: Uncertain significance for Immunodeficiency-centromeric instability-facial anomalies syndrome 2. Last evaluated: 2025-10-01. Review status: criteria provided, single submitter. Criteria: Invitae Variant Classification Sherloc (09022015). Collection method: clinical testing. Allele origin: germline.
Comment: This sequence change replaces valine, which is neutral and non-polar, with alanine, which is neutral and non-polar, at codon 418 of the ZBTB24 protein (p.Val418Ala). This variant is not present in population databases (gnomAD no frequency). This variant has not been reported in the literature in individuals affected with ZBTB24-related conditions. An algorithm developed to predict the effect of missense changes on protein structure and function (PolyPhen-2) suggests that this variant is likely to be tolerated. In summary, the available evidence is currently insufficient to determine the role of this variant in disease. Therefore, it has been classified as a Variant of Uncertain Significance.

NM_014797.3(ZBTB24):c.1253T>C (p.Val418Ala)

Gene: ZBTB24 (zinc finger and BTB domain containing 24; minus strand). Cytogenetic location: 6q21.
Variant type: single nucleotide variant.
Coding change: c.1253T>C on transcript NM_014797.3 (MANE Select); coding-DNA position 1253, T replaced by C.
Protein change: p.Val418Ala; replaces valine 418 with alanine.
Molecular consequence: missense variant.
Genome position (GRCh38, 1-based): chr6:109,475,434, A>G on the plus strand (T>C on the coding strand, the complement: ZBTB24 is on the minus strand). VCF-style: chr6-109475434-A-G. GRCh37 (hg19) VCF-style: chr6-109796637-A-G.
Other names: short protein forms V418A.
Identifiers: ClinVar variation 4767257 (VCV004767257.1).